The following is an entry in ClinVar:

NM_001369.3(DNAH5):c.8011-2A>G

Gene: DNAH5 (dynein axonemal heavy chain 5; minus strand). Cytogenetic location: 5p15.2.
Variant type: single nucleotide variant.
Coding change: c.8011-2A>G on transcript NM_001369.3 (MANE Select); the canonical splice acceptor site of the intron before coding-DNA position 8011, A replaced by G.
Molecular consequence: splice acceptor variant.
Genome position (GRCh38, 1-based): chr5:13,793,730, T>C on the plus strand (A>G on the coding strand, the complement: DNAH5 is on the minus strand). VCF-style: chr5-13793730-T-C. GRCh37 (hg19) VCF-style: chr5-13793839-T-C.
Other names: NP_001360.1:p.(?).
Identifiers: ClinVar variation 5010293 (VCV005010293.1).

ClinVar aggregate classification (germline): Likely pathogenic (1 of 4 stars; one submission).

Conditions:
Primary ciliary dyskinesia 3. Identifiers: Orphanet 244, MedGen C1837618, MONDO:0012085, OMIM 608644.

Submission:

Laboratorio de Genomica, Unidad de Medicina Traslacional, Hospital de Ninos R. Gutierrez
Classification: Likely pathogenic for Primary ciliary dyskinesia 3. Last evaluated: 2026-09-04. Review status: criteria provided, single submitter. Criteria: Institutional Variant Interpretation Framework ClinVar UMT Version 1. Collection method: clinical testing. Allele origin: germline. Affected: yes. Observed: 1 variant allele.
Comment: The variant, is a transition of an Adenine to a Guanine at position -2 of intron 48, NM_001369.3:c.8011-2A>G. This variant is predicted to cause loss of a splice acceptor site. It cannot be ruled out that this leads to exon skipping and an alteration or disruption of normal protein function, either due to mRNA degradation through Nonsense Mediated Decay, or due to the synthesis of a truncated protein (PVS1). This variant has not been previously reported in the literature or in the available population databases (GnomAD-exomes/genomes) (PM2_supp). The variant is classified as Likely Pathogenic.